The following is an entry in ClinVar:

ClinVar aggregate classification (germline): Uncertain significance. Review status: criteria provided, multiple submitters, no conflicts (2 of 4 stars). 2 submissions from 2 submitters: Uncertain significance (2). Last evaluated 2025-01-11.

Allele frequency attached by ClinVar (database versions not stated): gnomAD exomes 0.00002; gnomAD 0.00004 and 0.00005; TOPMed 0.00005.
gnomAD v4.1: 93 of 1,551,696 alleles (0.006%); highest among the groups gnomAD compares: Non-Finnish European, 0.0071%; no homozygotes.

Submissions (2):

Labcorp Genetics (formerly Invitae), Labcorp
Classification: Uncertain significance. Last evaluated: 2025-01-11. Review status: criteria provided, single submitter. Criteria: Invitae Variant Classification Sherloc (09022015). Collection method: clinical testing. Allele origin: germline.
Comment: This sequence change replaces proline, which is neutral and non-polar, with alanine, which is neutral and non-polar, at codon 363 of the DTHD1 protein (p.Pro363Ala). This variant is present in population databases (no rsID available, gnomAD 0.005%). This variant has not been reported in the literature in individuals affected with DTHD1-related conditions. ClinVar contains an entry for this variant (Variation ID: 971133). An algorithm developed to predict the effect of missense changes on protein structure and function (PolyPhen-2) suggests that this variant is likely to be disruptive. In summary, the available evidence is currently insufficient to determine the role of this variant in disease. Therefore, it has been classified as a Variant of Uncertain Significance.

Blueprint Genetics
Classification: Uncertain significance. Last evaluated: 2018-11-06. Review status: criteria provided, single submitter. Criteria: ACMG Guidelines, 2015. Collection method: clinical testing. Allele origin: germline.

NM_001170700.3(DTHD1):c.1957C>G (p.Pro653Ala)

Gene: DTHD1 (death domain containing 1; plus strand). Cytogenetic location: 4p14.
Variant type: single nucleotide variant.
Coding change: c.1957C>G on transcript NM_001170700.3 (MANE Select); coding-DNA position 1957, C replaced by G.
Protein change: p.Pro653Ala; replaces proline 653 with alanine.
Molecular consequence: missense variant. On other transcripts: non-coding transcript variant (2).
Genome position (GRCh38, 1-based): chr4:36,308,355, C>G. VCF-style: chr4-36308355-C-G. GRCh37 (hg19) VCF-style: chr4-36309977-C-G.
Other names: c.1087C>G, p.Pro363Ala (NM_001136536.5); c.1024C>G, p.Pro342Ala (NM_001378435.1); short protein forms P363A, P342A, P653A.
Identifiers: ClinVar variation 971133 (VCV000971133.11), dbSNP rs1053903285, ClinGen allele CA95783939.
Genomic context (GRCh38, chr4:36,308,355, plus strand): 5'-GCCTGCATAGTACTGTCTCACCAGAAGGACAATCCACATAGAATAGCTGTTTTAGTGGTG[C>G]CTTCCAAAGATTTAAGCCAGGTGCTTAAGGACCTGCACTTGGAAGGGTTTGGAGGACCTC-3'
Protein context (NP_001164171.2, residues 643-663): NPHRIAVLVV[Pro653Ala]SKDLSQVLKD